The following is an entry in ClinVar:

NM_016239.4(MYO15A):c.3679A>G (p.Met1227Val)

Gene: MYO15A (myosin XVA; plus strand). Cytogenetic location: 17p11.2.
Variant type: single nucleotide variant.
Coding change: c.3679A>G on transcript NM_016239.4 (MANE Select); coding-DNA position 3679, A replaced by G.
Protein change: p.Met1227Val; replaces methionine 1227 with valine.
Molecular consequence: missense variant.
Genome position (GRCh38, 1-based): chr17:18,124,552, A>G. VCF-style: chr17-18124552-A-G. GRCh37 (hg19) VCF-style: chr17-18027866-A-G.
Other names: short protein forms M1227V.
Identifiers: ClinVar variation 892443 (VCV000892443.7), dbSNP rs750965550, ClinGen allele CA8423533.
Genomic context (GRCh38, chr17:18,124,552, plus strand): 5'-ATCCGCAACCTGCCATCCATGCGGTTCCGTGAGCAGCACGGGGAGGATGGTGTGGAGGAC[A>G]TGACACAGCTGGAGTGAGTGGGCAGGGCCGGCGGGGTCAGCAAGGGGTCACCATGGGGTC-3'
Protein context (NP_057323.3, residues 1217-1237): EQHGEDGVED[Met1227Val]TQLEDLQETT

ClinVar aggregate classification (germline): Uncertain significance. Review status: criteria provided, multiple submitters, no conflicts (2 of 4 stars). 4 submissions from 4 submitters: Uncertain significance (4). Last evaluated 2025-10-02.

Conditions:
Autosomal recessive nonsyndromic hearing loss 3. Also called: NEUROSENSORY NONSYNDROMIC RECESSIVE DEAFNESS 3. Identifiers: Orphanet 90636, MedGen C1838263, MONDO:0010860, OMIM 600316.
Inborn genetic diseases. Identifiers: MedGen C0950123, MeSH D030342.

Allele frequency attached by ClinVar (database versions not stated): gnomAD 0.00001; ExAC 0.00002; gnomAD exomes 0.00002; TOPMed 0.00002.

Submissions (4):

Labcorp Genetics (formerly Invitae), Labcorp
Classification: Uncertain significance. Last evaluated: 2025-10-02. Review status: criteria provided, single submitter. Criteria: Invitae Variant Classification Sherloc (09022015). Collection method: clinical testing. Allele origin: germline.
Comment: This sequence change replaces methionine, which is neutral and non-polar, with valine, which is neutral and non-polar, at codon 1227 of the MYO15A protein (p.Met1227Val). This variant is present in population databases (rs750965550, gnomAD 0.02%). This variant has not been reported in the literature in individuals affected with MYO15A-related conditions. ClinVar contains an entry for this variant (Variation ID: 892443). Invitae Evidence Modeling of protein sequence and biophysical properties (such as structural, functional, and spatial information, amino acid conservation, physicochemical variation, residue mobility, and thermodynamic stability) has been performed for this missense variant. However, the output from this modeling did not meet the statistical confidence thresholds required to predict the impact of this variant on MYO15A protein function. In summary, the available evidence is currently insufficient to determine the role of this variant in disease. Therefore, it has been classified as a Variant of Uncertain Significance.

Ambry Genetics
Classification: Uncertain significance for Inborn genetic diseases. Last evaluated: 2025-04-09. Review status: criteria provided, single submitter. Criteria: Ambry Variant Classification Scheme 2023. Collection method: clinical testing. Allele origin: germline.

Fulgent Genetics
Classification: Uncertain significance for Autosomal recessive nonsyndromic hearing loss 3. Last evaluated: 2021-07-24. Review status: criteria provided, single submitter. Criteria: ACMG Guidelines, 2015. Collection method: clinical testing. Allele origin: unknown.

Illumina Laboratory Services, Illumina
Classification: Uncertain significance for Autosomal recessive nonsyndromic hearing loss 3. Last evaluated: 2018-01-13. Review status: criteria provided, single submitter. Criteria: ICSL Variant Classification Criteria 13 December 2019. Collection method: clinical testing. Allele origin: germline.